The following is an entry in ClinVar:

NM_020631.6(PLEKHG5):c.784G>C (p.Ala262Pro)

Gene: PLEKHG5 (pleckstrin homology and RhoGEF domain containing G5; minus strand). Cytogenetic location: 1p36.31.
Variant type: single nucleotide variant.
Coding change: c.784G>C on transcript NM_020631.6 (MANE Select); coding-DNA position 784, G replaced by C.
Protein change: p.Ala262Pro; replaces alanine 262 with proline.
Molecular consequence: missense variant.
Genome position (GRCh38, 1-based): chr1:6,473,262, C>G on the plus strand (G>C on the coding strand, the complement: PLEKHG5 is on the minus strand). VCF-style: chr1-6473262-C-G. GRCh37 (hg19) VCF-style: chr1-6533322-C-G.
Other names: c.895G>C, p.Ala299Pro (NM_001042663.3, NM_001265592.2); c.784G>C, p.Ala262Pro (NM_001042664.2, NM_001042665.2, NM_001265594.3 and 1 more transcripts); c.991G>C, p.Ala331Pro (NM_001265593.2); short protein forms A262P, A331P, A299P.
Identifiers: ClinVar variation 570070 (VCV000570070.6), dbSNP rs550362834, ClinGen allele CA561757.

ClinVar aggregate classification (germline): Uncertain significance (1 of 4 stars; one submission).

Conditions:
Charcot-Marie-Tooth disease recessive intermediate C. Also called: CHARCOT-MARIE-TOOTH NEUROPATHY, RECESSIVE INTERMEDIATE C. Identifiers: Orphanet 369867, MedGen C3809309, MONDO:0014154, OMIM 615376.
Neuronopathy, distal hereditary motor, autosomal recessive 4. Also called: Autosomal recessive lower motor neuron disease with childhood onset; NEUROPATHY, DISTAL HEREDITARY MOTOR, AUTOSOMAL RECESSIVE 4. Identifiers: Orphanet 206580, MedGen C1970211, MONDO:0012608, OMIM 611067.

Allele frequency attached by ClinVar (database versions not stated): gnomAD 0.00003.
gnomAD v4.1: 7 of 1,609,828 alleles (0.00043%); highest among the groups gnomAD compares: African/African-American, 0.0013%; no homozygotes.

Submission:

Labcorp Genetics (formerly Invitae), Labcorp
Classification: Uncertain significance for Neuronopathy, distal hereditary motor, autosomal recessive 4; Charcot-Marie-Tooth disease recessive intermediate C. Last evaluated: 2021-09-02. Review status: criteria provided, single submitter. Criteria: Invitae Variant Classification Sherloc (09022015). Collection method: clinical testing. Allele origin: germline.
Comment: This sequence change replaces alanine with proline at codon 262 of the PLEKHG5 protein (p.Ala262Pro). The alanine residue is weakly conserved and there is a small physicochemical difference between alanine and proline. This variant is present in population databases (rs550362834, ExAC 0.002%). This variant has not been reported in the literature in individuals affected with PLEKHG5-related conditions. Algorithms developed to predict the effect of missense changes on protein structure and function (SIFT, PolyPhen-2, Align-GVGD) all suggest that this variant is likely to be tolerated. In summary, the available evidence is currently insufficient to determine the role of this variant in disease. Therefore, it has been classified as a Variant of Uncertain Significance.